The following is an entry in ClinVar:

NM_001211.6(BUB1B):c.767G>A (p.Arg256Lys)

Gene: BUB1B (BUB1 mitotic checkpoint serine/threonine kinase B; plus strand). Cytogenetic location: 15q15.1.
Variant type: single nucleotide variant.
Coding change: c.767G>A on transcript NM_001211.6 (MANE Select); coding-DNA position 767, G replaced by A.
Protein change: p.Arg256Lys; replaces arginine 256 with lysine.
Molecular consequence: missense variant.
Genome position (GRCh38, 1-based): chr15:40,185,180, G>A. VCF-style: chr15-40185180-G-A. GRCh37 (hg19) VCF-style: chr15-40477381-G-A.
Other names: short protein forms R256K.
Identifiers: ClinVar variation 2585909 (VCV002585909.2), dbSNP rs531786139, ClinGen allele CA7475569.
Genomic context (GRCh38, chr15:40,185,180, plus strand): 5'-AATAATGAAACATTTTACATGAGGTTTTAATATTTTTGCTCCTAGCTCCAAGCCAGAACA[G>A]AGGACTCCAAAATCCATTTCCTCAACAGATGCAAAATAATAGTAGAATTACTGTTTTTGA-3'
Protein context (NP_001202.5, residues 246-266): GGALKAPSQN[Arg256Lys]GLQNPFPQQM

ClinVar aggregate classification (germline): Uncertain significance (1 of 4 stars; one submission).

Conditions:
Inborn genetic diseases. Identifiers: MedGen C0950123, MeSH D030342.

Allele frequency attached by ClinVar (database versions not stated): ExAC 0.00001; 1000 Genomes Project 0.00020; 1000 Genomes Project 30x 0.00031.

Submission:

Ambry Genetics
Classification: Uncertain significance for Inborn genetic diseases. Last evaluated: 2023-06-29. Review status: criteria provided, single submitter. Criteria: Ambry Variant Classification Scheme 2023. Collection method: clinical testing. Allele origin: germline.
Comment: The p.R256K variant (also known as c.767G>A), located in coding exon 7 of the BUB1B gene, results from a G to A substitution at nucleotide position 767. The arginine at codon 256 is replaced by lysine, an amino acid with highly similar properties. This amino acid position is conserved. In addition, this alteration is predicted to be tolerated by in silico analysis. Since supporting evidence is limited at this time, the clinical significance of this alteration remains unclear.